The following is an entry in ClinVar:

ClinVar aggregate classification (germline): Uncertain significance (1 of 4 stars; one submission).

Submission:

GeneDx
Classification: Uncertain significance. Last evaluated: 2026-04-17. Review status: criteria provided, single submitter. Criteria: GeneDx Variant Classification Process June 2021. Collection method: clinical testing. Allele origin: germline.
Comment: Not observed at significant frequency in large population cohorts (gnomAD); In silico analysis suggests that this missense variant does not alter protein structure/function; In silico analysis supports a deleterious effect on splicing; Has not been previously published as pathogenic or benign to our knowledge

NM_004979.6(KCND1):c.1829A>G (p.Asp610Gly)

Gene: KCND1 (potassium voltage-gated channel subfamily D member 1; minus strand). Cytogenetic location: Xp11.23.
Variant type: single nucleotide variant.
Coding change: c.1829A>G on transcript NM_004979.6 (MANE Select); coding-DNA position 1829, A replaced by G.
Protein change: p.Asp610Gly; replaces aspartic acid 610 with glycine.
Molecular consequence: missense variant.
Genome position (GRCh38, 1-based): chrX:48,962,696, T>C on the plus strand (A>G on the coding strand, the complement: KCND1 is on the minus strand). VCF-style: chrX-48962696-T-C. GRCh37 (hg19) VCF-style: chrX-48819957-T-C.
Other names: short protein forms D610G.
Identifiers: ClinVar variation 5037113 (VCV005037113.1).